The following is an entry in ClinVar:

ClinVar aggregate classification (germline): Pathogenic (1 of 4 stars; one submission).

Conditions:
Fabry disease. Also called: Fabry's disease; ALPHA-GALACTOSIDASE A DEFICIENCY; ANDERSON-FABRY DISEASE; CERAMIDE TRIHEXOSIDASE DEFICIENCY; GLA DEFICIENCY; HEREDITARY DYSTOPIC LIPIDOSIS. Identifiers: Orphanet 324, MedGen C0002986, MONDO:0010526, OMIM 301500, HP:0001071. Disease mechanism: Fabry disease is due to inactivating mutations in the X-linked GLA gene resulting in deficiency of the enzyme Alpha Galactosidase-A., loss of function.

Submission:

Genomenon, Inc
Classification: Pathogenic for Fabry disease. Last evaluated: 2026-09-08. Review status: criteria provided, single submitter. Criteria: Genomenon Sequence Variant Interpretation Standards - Updated. Collection method: curation. Allele origin: germline. Affected: yes.
Comment: GLA p.Cys63Ter (c.189C>A) is a nonsense variant that introduces a premature stop codon at amino acid position 63 and is predicted to result in a truncated or absent protein product. This variant has been observed in at least one proband with clinical features consistent with Fabry disease (PMID:41204227). It is absent or not present at a significant frequency in gnomAD. In conclusion, we classify GLA p.Cys63Ter (c.189C>A) as a pathogenic variant.

Literature cited by the submitters: PubMed 41204227.

NM_000169.3(GLA):c.189C>A (p.Cys63Ter)

Genes: GLA (galactosidase alpha; minus strand), RPL36A-HNRNPH2 (RPL36A-HNRNPH2 readthrough; plus strand). Cytogenetic location: Xq22.1.
Variant type: single nucleotide variant.
Coding change: c.189C>A on transcript NM_000169.3 (MANE Select); coding-DNA position 189, C replaced by A.
Protein change: p.Cys63Ter; replaces cysteine 63 with a stop codon.
Molecular consequence: nonsense. On other transcripts: non-coding transcript variant (3), intron variant (2).
Genome position (GRCh38, 1-based): chrX:101,407,715, G>T on the plus strand (C>A on the coding strand, the complement: GLA is on the minus strand). VCF-style: chrX-101407715-G-T. GRCh37 (hg19) VCF-style: chrX-100662703-G-T.
Other names: c.189C>A, p.Cys63Ter (NM_001406747.1, NM_001406748.1, NM_001406749.1); c.301-4221G>T (NM_001199973.2); c.178-4221G>T (NM_001199974.2); short protein forms C63*.
Identifiers: ClinVar variation 4974864 (VCV004974864.1).